The following is an entry in ClinVar:

ClinVar aggregate classification (germline): Uncertain significance (1 of 4 stars; one submission).

Conditions:
Cardiovascular phenotype. Identifiers: MedGen CN230736.

gnomAD v4.1: 1 of 1,600,644 alleles (0.000062%); highest among the groups gnomAD compares: Non-Finnish European, 0.000085%; no homozygotes.

Submission:

Ambry Genetics
Classification: Uncertain significance for Cardiovascular phenotype. Last evaluated: 2026-08-08. Review status: criteria provided, single submitter. Criteria: Ambry Variant Classification Scheme 2023. Collection method: clinical testing. Allele origin: germline.
Comment: The p.P1160L variant (also known as c.3479C>T), located in coding exon 8 of the TNXB gene, results from a C to T substitution at nucleotide position 3479. The proline at codon 1160 is replaced by leucine, an amino acid with similar properties. This amino acid position is conserved. In addition, this alteration is predicted to be tolerated by in silico analysis. Based on the available evidence, the clinical significance of this variant remains unclear.

NM_001365276.2(TNXB):c.3479C>T (p.Pro1160Leu)

Gene: TNXB (tenascin XB; minus strand). Cytogenetic location: 6p21.33.
Variant type: single nucleotide variant.
Coding change: c.3479C>T on transcript NM_001365276.2 (MANE Select); coding-DNA position 3479, C replaced by T.
Protein change: p.Pro1160Leu; replaces proline 1160 with leucine.
Molecular consequence: missense variant.
Genome position (GRCh38, 1-based): chr6:32,082,293, G>A on the plus strand (C>T on the coding strand, the complement: TNXB is on the minus strand). VCF-style: chr6-32082293-G-A. GRCh37 (hg19) VCF-style: chr6-32050070-G-A.
Other names: c.4220C>T, p.Pro1407Leu (NM_001428335.1); c.3479C>T, p.Pro1160Leu (NM_019105.8); short protein forms P1160L, P1407L.
Identifiers: ClinVar variation 5031037 (VCV005031037.1).
Genomic context (GRCh38, chr6:32,082,293, plus strand): 5'-GTCCAGGAGAGGTGCAGTGAATCTGGGGTAGGGTCTGTCACCCACAGGTTTCCCAGGTGG[G>A]GTGGAGTCCCTGGACTTGGGTCACTCTGAGGCACTAGGAAGAGTGGGTAGAGAGAAGGGA-3'
Protein context (NP_001352205.1, residues 1150-1170): PQSDPSPGTP[Pro1160Leu]HLGNLWVTDP